The following is an entry in ClinVar:

ClinVar aggregate classification (germline): Uncertain significance (1 of 4 stars; one submission).

Conditions:
Inborn genetic diseases. Identifiers: MedGen C0950123, MeSH D030342.

Submission:

Ambry Genetics
Classification: Uncertain significance for Inborn genetic diseases. Last evaluated: 2023-09-30. Review status: criteria provided, single submitter. Criteria: Ambry Variant Classification Scheme 2023. Collection method: clinical testing. Allele origin: germline.
Comment: The p.V445D variant (also known as c.1334T>A), located in coding exon 12 of the LRRK2 gene, results from a T to A substitution at nucleotide position 1334. The valine at codon 445 is replaced by aspartic acid, an amino acid with highly dissimilar properties. This amino acid position is conserved. In addition, the in silico prediction for this alteration is inconclusive. Since supporting evidence is limited at this time, the clinical significance of this alteration remains unclear.

NM_198578.4(LRRK2):c.1334T>A (p.Val445Asp)

Gene: LRRK2 (leucine rich repeat kinase 2; plus strand). Cytogenetic location: 12q12.
Variant type: single nucleotide variant.
Coding change: c.1334T>A on transcript NM_198578.4 (MANE Select); coding-DNA position 1334, T replaced by A.
Protein change: p.Val445Asp; replaces valine 445 with aspartic acid.
Molecular consequence: missense variant.
Genome position (GRCh38, 1-based): chr12:40,257,293, T>A. VCF-style: chr12-40257293-T-A. GRCh37 (hg19) VCF-style: chr12-40651095-T-A.
Other names: short protein forms V445D.
Identifiers: ClinVar variation 3229512 (VCV003229512.1), dbSNP rs2499537711, ClinGen allele CA384410501.